The following is an entry in ClinVar:

ClinVar aggregate classification (germline): Pathogenic (1 of 4 stars; one submission).

Conditions:
Long QT syndrome (LQTS). Identifiers: MedGen C0023976, MeSH D008133, MONDO:0002442. Disease mechanism: loss of function. Inheritance: Various modes of inheritance.

Submission:

Labcorp Genetics (formerly Invitae), Labcorp
Classification: Pathogenic for Long QT syndrome. Last evaluated: 2024-04-17. Review status: criteria provided, single submitter. Criteria: Invitae Variant Classification Sherloc (09022015). Collection method: clinical testing. Allele origin: germline.
Comment: This sequence change creates a premature translational stop signal (p.Phe3055Leufs*5) in the ANK2 gene. It is expected to result in an absent or disrupted protein product. Loss-of-function variants in ANK2 are known to be pathogenic (PMID: 37195288). This variant is not present in population databases (gnomAD no frequency). This variant has not been reported in the literature in individuals affected with ANK2-related conditions. For these reasons, this variant has been classified as Pathogenic.

Literature cited by the submitters: PubMed 37195288.

NM_001148.6(ANK2):c.9162del (p.Phe3055fs)

Gene: ANK2 (ankyrin 2; plus strand). Cytogenetic location: 4q26.
Variant type: Deletion.
Coding change: c.9162del on transcript NM_001148.6 (MANE Select); coding-DNA position 9162, one base deleted (C; older notation c.9162delC).
Protein change: p.Phe3055fs; shifts the reading frame from phenylalanine 3055.
Molecular consequence: frameshift variant. On other transcripts: intron variant (68).
Genome position (GRCh38, 1-based): chr4:113,357,780, C deleted; the last of 2 consecutive C bases (chr4:113,357,779-113,357,780); deleting either gives the same sequence. VCF-style (leftmost placement, unchanged base first): chr4-113357778-GC-G. GRCh37 (hg19) VCF-style: chr4-114278934-GC-G.
Other names: c.4406-3043del (NM_001354230.2); c.4469-3043del (NM_001354231.2, NM_001354242.2); c.4472-3043del (NM_001386144.1, NM_001354240.2, NM_001354241.2); c.1991-3043del (NM_001354279.2, NM_001354282.2); c.1976-3043del (NM_001354280.2); c.1955-3043del (NM_001354278.2, NM_001354281.2); c.827-3043del (NM_001386167.1); c.8928del, p.Phe2977fs (NM_001386142.1); and 35 more; short protein forms F1855fs, F2977fs, F3055fs, F3102fs, F3094fs.
Identifiers: ClinVar variation 2861152 (VCV002861152.3), dbSNP rs2505931124, ClinGen allele CA2739265927.